The following is an entry in ClinVar:

ClinVar aggregate classification (germline): Likely pathogenic (1 of 4 stars; one submission).

Conditions:
Neurofibromatosis, type 1 (NF1). Also called: Neurofibromatosis, type I; Peripheral type neurofibromatosis; NEUROFIBROMATOSIS, TYPE I, SOMATIC; VON RECKLINGHAUSEN DISEASE. Identifiers: Orphanet 636, MedGen C0027831, MONDO:0018975, OMIM 162200. Disease mechanism: loss of function.

Submission:

Labcorp Genetics (formerly Invitae), Labcorp
Classification: Likely pathogenic for Neurofibromatosis, type 1. Last evaluated: 2025-11-24. Review status: criteria provided, single submitter. Criteria: Invitae Variant Classification Sherloc (09022015). Collection method: clinical testing. Allele origin: germline.
Comment: This sequence change affects an acceptor splice site in intron 50 of the NF1 gene. It is expected to disrupt RNA splicing. Variants that disrupt the donor or acceptor splice site typically lead to a loss of protein function (PMID: 16199547), and loss-of-function variants in NF1 are known to be pathogenic (PMID: 10712197, 23913538). This variant is not present in population databases (gnomAD no frequency). This variant has not been reported in the literature in individuals affected with NF1-related conditions. ClinVar contains an entry for this variant (Variation ID: 1997847). Algorithms developed to predict the effect of sequence changes on RNA splicing suggest that this variant may disrupt the consensus splice site. In summary, the currently available evidence indicates that the variant is pathogenic, but additional data are needed to prove that conclusively. Therefore, this variant has been classified as Likely Pathogenic.

Literature cited by the submitters: PubMed 16199547; PubMed 10712197; PubMed 23913538.

NM_001042492.3(NF1):c.7616-1G>A

Gene: NF1 (neurofibromin 1; plus strand). Cytogenetic location: 17q11.2.
Variant type: single nucleotide variant.
Coding change: c.7616-1G>A on transcript NM_001042492.3 (MANE Select); the canonical splice acceptor site of the intron before coding-DNA position 7616, G replaced by A.
Molecular consequence: splice acceptor variant.
Genome position (GRCh38, 1-based): chr17:31,356,459, G>A. VCF-style: chr17-31356459-G-A. GRCh37 (hg19) VCF-style: chr17-29683477-G-A.
Other names: c.7553-1G>A (NM_000267.4).
Identifiers: ClinVar variation 1997847 (VCV001997847.4), dbSNP rs2151580979, ClinGen allele CA399017965.